The following is an entry in ClinVar:

NM_000182.5(HADHA):c.1867G>A (p.Val623Met)

Genes: HADHA (hydroxyacyl-CoA dehydrogenase trifunctional multienzyme complex subunit alpha; minus strand), GAREM2 (GRB2 associated regulator of MAPK1 subtype 2; plus strand). Cytogenetic location: 2p23.3.
Variant type: single nucleotide variant.
Coding change: c.1867G>A on transcript NM_000182.5 (MANE Select); coding-DNA position 1867, G replaced by A.
Protein change: p.Val623Met; replaces valine 623 with methionine.
Molecular consequence: missense variant.
Genome position (GRCh38, 1-based): chr2:26,193,595, C>T on the plus strand (G>A on the coding strand, the complement: HADHA is on the minus strand). VCF-style: chr2-26193595-C-T. GRCh37 (hg19) VCF-style: chr2-26416464-C-T.
Other names: c.1867G>A (NM_000182.4); short protein forms V623M.
Identifiers: ClinVar variation 1901689 (VCV001901689.3), dbSNP rs757001811, ClinGen allele CA1559443.

ClinVar aggregate classification (germline): Uncertain significance. Review status: criteria provided, single submitter (1 of 4 stars). 2 submissions from 2 submitters: Uncertain significance (1). 1 of the submissions does not count toward it. Last evaluated 2022-10-05.

Conditions:
Mitochondrial trifunctional protein deficiency. Identifiers: Orphanet 746, MedGen C1969443, MONDO:0012172.
Long chain 3-hydroxyacyl-CoA dehydrogenase deficiency. Also called: Deficiency of long-chain 3-hydroxyacyl-coenzyme A dehydrogenase; LCHAD Deficiency. Identifiers: Orphanet 5, MedGen C3711645, MONDO:0012173, OMIM 609016.

Allele frequency attached by ClinVar (database versions not stated): ExAC 0.00001; gnomAD exomes 0.00001.
gnomAD v4.1: 16 of 1,613,796 alleles (0.00099%); highest among the groups gnomAD compares: East Asian, 0.0022%; no homozygotes.

Submissions (2):

Labcorp Genetics (formerly Invitae), Labcorp
Classification: Uncertain significance for Mitochondrial trifunctional protein deficiency; Long chain 3-hydroxyacyl-CoA dehydrogenase deficiency. Last evaluated: 2022-10-05. Review status: criteria provided, single submitter. Criteria: Invitae Variant Classification Sherloc (09022015). Collection method: clinical testing. Allele origin: germline.
Comment: This sequence change replaces valine, which is neutral and non-polar, with methionine, which is neutral and non-polar, at codon 623 of the HADHA protein (p.Val623Met). This variant is not present in population databases (gnomAD no frequency). This variant has not been reported in the literature in individuals affected with HADHA-related conditions. Advanced modeling of protein sequence and biophysical properties (such as structural, functional, and spatial information, amino acid conservation, physicochemical variation, residue mobility, and thermodynamic stability) performed at Invitae indicates that this missense variant is not expected to disrupt HADHA protein function. In summary, the available evidence is currently insufficient to determine the role of this variant in disease. Therefore, it has been classified as a Variant of Uncertain Significance.

Natera, Inc.
Classification: Uncertain significance for Deficiency of long-chain 3-hydroxyacyl-coenzyme A dehydrogenase. Last evaluated: 2025-04-03. Review status: no assertion criteria provided. Collection method: clinical testing. Allele origin: germline. Not counted in ClinVar's aggregate classification.